The following is an entry in ClinVar:

NM_000059.4(BRCA2):c.8568G>T (p.Glu2856Asp)

Gene: BRCA2 (BRCA2 DNA repair associated; plus strand). Cytogenetic location: 13q13.1.
Variant type: single nucleotide variant.
Coding change: c.8568G>T on transcript NM_000059.4 (MANE Select); coding-DNA position 8568, G replaced by T.
Protein change: p.Glu2856Asp; replaces glutamic acid 2856 with aspartic acid.
Molecular consequence: missense variant.
Genome position (GRCh38, 1-based): chr13:32,371,036, G>T. VCF-style: chr13-32371036-G-T. GRCh37 (hg19) VCF-style: chr13-32945173-G-T.
Other names: short protein forms E2856D.
Identifiers: ClinVar variation 236919 (VCV000236919.9), dbSNP rs878853610, ClinGen allele CA10583143.
Genomic context (GRCh38, chr13:32,371,036, plus strand): 5'-TGGATTATACATATTTCGCAATGAAAGAGAGGAAGAAAAGGAAGCAGCAAAATATGTGGA[G>T]GCCCAACAAAAGAGACTAGAAGCCTTATTCACTAAAATTCAGGAGGAATTTGAAGAACAT-3'
Protein context (NP_000050.3, residues 2846-2866): EEEKEAAKYV[Glu2856Asp]AQQKRLEALF

ClinVar aggregate classification (germline): Uncertain significance (1 of 4 stars; one submission).

Conditions:
Hereditary breast ovarian cancer syndrome. Also called: BRCA1- and BRCA2-Associated Hereditary Breast and Ovarian Cancer; Hereditary breast and ovarian cancer syndrome; Hereditary breast and ovarian cancer; Hereditary breast and ovarian cancer syndrome (HBOC); Breast and ovarian cancer; Hereditary breast and/or ovarian cancer syndrome. Identifiers: Orphanet 145, MedGen C0677776, MeSH D061325, MONDO:0003582. Disease mechanism: loss of function.

Submission:

Labcorp Genetics (formerly Invitae), Labcorp
Classification: Uncertain significance for Hereditary breast ovarian cancer syndrome. Last evaluated: 2021-02-04. Review status: criteria provided, single submitter. Criteria: Invitae Variant Classification Sherloc (09022015). Collection method: clinical testing. Allele origin: germline.
Comment: In summary, the available evidence is currently insufficient to determine the role of this variant in disease. Therefore, it has been classified as a Variant of Uncertain Significance. Algorithms developed to predict the effect of missense changes on protein structure and function (SIFT, PolyPhen-2, Align-GVGD) all suggest that this variant is likely to be tolerated, but these predictions have not been confirmed by published functional studies and their clinical significance is uncertain. This variant has not been reported in the literature in individuals with BRCA2-related conditions. ClinVar contains an entry for this variant (Variation ID: 236919). This variant is not present in population databases (ExAC no frequency). This sequence change replaces glutamic acid with aspartic acid at codon 2856 of the BRCA2 protein (p.Glu2856Asp). The glutamic acid residue is moderately conserved and there is a small physicochemical difference between glutamic acid and aspartic acid.